The following is an entry in ClinVar:

NM_001853.4(COL9A3):c.78+6C>T

Gene: COL9A3 (collagen type IX alpha 3 chain; plus strand). Cytogenetic location: 20q13.33.
Variant type: single nucleotide variant.
Coding change: c.78+6C>T on transcript NM_001853.4 (MANE Select); 6 bases into the intron after coding-DNA position 78, C replaced by T.
Molecular consequence: intron variant.
Genome position (GRCh38, 1-based): chr20:62,817,148, C>T. VCF-style: chr20-62817148-C-T. GRCh37 (hg19) VCF-style: chr20-61448500-C-T.
Other names: c.78+6C>T (LRG_1253t1).
Identifiers: ClinVar variation 339263 (VCV000339263.15), dbSNP rs761417903, ClinGen allele CA9948990.

ClinVar aggregate classification (germline): Likely benign. Review status: criteria provided, multiple submitters, no conflicts (2 of 4 stars). 4 submissions from 4 submitters: Likely benign (4). Last evaluated 2026-01-12.

Allele frequency attached by ClinVar (database versions not stated): gnomAD exomes 0.00009 and 0.00043; gnomAD 0.00013 and 0.00015; TOPMed 0.00021; 1000 Genomes Project 30x 0.00031; ExAC 0.00044.
gnomAD v4.1: 145 of 1,391,010 alleles (0.01%); highest among the groups gnomAD compares: Admixed American, 0.047%; 1 homozygote.

Submissions (4):

Labcorp Genetics (formerly Invitae), Labcorp
Classification: Likely benign. Last evaluated: 2026-01-12. Review status: criteria provided, single submitter. Criteria: Invitae Variant Classification Sherloc (09022015). Collection method: clinical testing. Allele origin: germline.

Women's Health and Genetics/Laboratory Corporation of America, LabCorp
Classification: Likely benign. Last evaluated: 2025-06-16. Review status: criteria provided, single submitter. Criteria: LabCorp Variant Classification Summary - May 2015. Collection method: clinical testing. Allele origin: germline.
Comment: Variant summary: COL9A3 c.78+6C>T alters a nucleotide located close to a canonical splice site and therefore could affect mRNA splicing, leading to a significantly altered protein sequence. Consensus agreement among computation tools predict no significant impact on normal splicing. However, these predictions have yet to be confirmed by functional studies. The variant allele was found at a frequency of 0.0001 in 1391010 control chromosomes, predominantly at a frequency of 0.0034 within the Ashkenazi Jewish subpopulation in the gnomAD database. The observed variant frequency within Ashkenazi Jewish control individuals in the gnomAD database exceeds the estimated maximal expected allele frequency for a pathogenic variant in COL9A3 causing Epiphyseal Dysplasia, Multiple, 3 phenotype. To our knowledge, no occurrence of c.78+6C>T in individuals affected with Epiphyseal Dysplasia, Multiple, 3 and no experimental evidence demonstrating its impact on protein function have been reported. ClinVar contains an entry for this variant (Variation ID: 339263). Based on the evidence outlined above, the variant was classified as likely benign.

Blueprint Genetics
Classification: Likely benign. Last evaluated: 2023-10-23. Review status: criteria provided, single submitter. Criteria: ACMG Guidelines, 2015. Collection method: clinical testing. Allele origin: germline.

GeneDx
Classification: Likely benign. Last evaluated: 2021-01-20. Review status: criteria provided, single submitter. Criteria: GeneDx Variant Classification Process June 2021. Collection method: clinical testing. Allele origin: germline. Affected: yes.